The following is an entry in ClinVar:

ClinVar aggregate classification (germline): Uncertain significance (1 of 4 stars; one submission).

Allele frequency attached by ClinVar (database versions not stated): gnomAD exomes 0.00001; ExAC 0.00002; gnomAD 0.00002; TOPMed 0.00002.

Submission:

Labcorp Genetics (formerly Invitae), Labcorp
Classification: Uncertain significance. Last evaluated: 2022-06-23. Review status: criteria provided, single submitter. Criteria: Invitae Variant Classification Sherloc (09022015). Collection method: clinical testing. Allele origin: germline.
Comment: This sequence change replaces valine, which is neutral and non-polar, with methionine, which is neutral and non-polar, at codon 156 of the DGAT1 protein (p.Val156Met). This variant is present in population databases (rs781894452, gnomAD 0.003%). This variant has not been reported in the literature in individuals affected with DGAT1-related conditions. Algorithms developed to predict the effect of missense changes on protein structure and function (SIFT, PolyPhen-2, Align-GVGD) all suggest that this variant is likely to be tolerated. In summary, the available evidence is currently insufficient to determine the role of this variant in disease. Therefore, it has been classified as a Variant of Uncertain Significance.

NM_012079.6(DGAT1):c.466G>A (p.Val156Met)

Gene: DGAT1 (diacylglycerol O-acyltransferase 1; minus strand). Cytogenetic location: 8q24.3.
Variant type: single nucleotide variant.
Coding change: c.466G>A on transcript NM_012079.6 (MANE Select); coding-DNA position 466, G replaced by A.
Protein change: p.Val156Met; replaces valine 156 with methionine.
Molecular consequence: missense variant.
Genome position (GRCh38, 1-based): chr8:144,318,701, C>T on the plus strand (G>A on the coding strand, the complement: DGAT1 is on the minus strand). VCF-style: chr8-144318701-C-T. GRCh37 (hg19) VCF-style: chr8-145542364-C-T.
Other names: short protein forms V156M.
Identifiers: ClinVar variation 1910366 (VCV001910366.2), dbSNP rs781894452, ClinGen allele CA4937036.